The following is an entry in ClinVar:

NM_000097.7(CPOX):c.121C>A (p.Arg41Ser)

Genes: CPOX (coproporphyrinogen oxidase; minus strand), LOC129937121 (ATAC-STARR-seq lymphoblastoid silent region 14560; plus strand). Cytogenetic location: 3q11.2.
Variant type: single nucleotide variant.
Coding change: c.121C>A on transcript NM_000097.7 (MANE Select); coding-DNA position 121, C replaced by A.
Protein change: p.Arg41Ser; replaces arginine 41 with serine.
Molecular consequence: missense variant.
Genome position (GRCh38, 1-based): chr3:98,593,384, G>T on the plus strand (C>A on the coding strand, the complement: CPOX is on the minus strand). VCF-style: chr3-98593384-G-T. GRCh37 (hg19) VCF-style: chr3-98312228-G-T.
Other names: short protein forms R41S.
Identifiers: ClinVar variation 1408046 (VCV001408046.7), dbSNP rs1707526042, ClinGen allele CA353647104.

ClinVar aggregate classification (germline): Uncertain significance (1 of 4 stars; one submission).

Allele frequency attached by ClinVar (database versions not stated): TOPMed below 0.00001; gnomAD 0.00001.
gnomAD v4.1: 5 of 1,378,238 alleles (0.00036%); highest among the groups gnomAD compares: African/African-American, 0.0046%; no homozygotes.

Submission:

Labcorp Genetics (formerly Invitae), Labcorp
Classification: Uncertain significance. Last evaluated: 2021-11-12. Review status: criteria provided, single submitter. Criteria: Invitae Variant Classification Sherloc (09022015). Collection method: clinical testing. Allele origin: germline.
Comment: In summary, the available evidence is currently insufficient to determine the role of this variant in disease. Therefore, it has been classified as a Variant of Uncertain Significance. Algorithms developed to predict the effect of missense changes on protein structure and function (SIFT, PolyPhen-2, Align-GVGD) all suggest that this variant is likely to be tolerated. This variant has not been reported in the literature in individuals affected with CPOX-related conditions. This variant is not present in population databases (gnomAD no frequency). This sequence change replaces arginine, which is basic and polar, with serine, which is neutral and polar, at codon 41 of the CPOX protein (p.Arg41Ser).